The following is an entry in ClinVar:

ClinVar aggregate classification (germline): Uncertain significance. Review status: criteria provided, multiple submitters, no conflicts (2 of 4 stars). 10 submissions from 10 submitters: Uncertain significance (10). Last evaluated 2026-02-20.

Conditions:
Familial adenomatous polyposis 3. Also called: NTHL1-Related Adenomatous Polyposis and Colorectal Cancer; NTHL1-related attenuated familial adenomatous polyposis; NTHL1 Tumor Syndrome; NTHL1-associated polyposis. Identifiers: Orphanet 220460, Orphanet 454840, MedGen C4225157, MONDO:0014630, OMIM 616415.
Hereditary cancer-predisposing syndrome. Also called: Neoplastic Syndromes, Hereditary; Tumor predisposition; Hereditary neoplastic syndrome; Hereditary Cancer Syndrome. Identifiers: Orphanet 140162, MedGen C0027672, MeSH D009386, MONDO:0015356.

Allele frequency attached by ClinVar (database versions not stated): gnomAD exomes 0.00004; gnomAD 0.00006 and 0.00009; TOPMed 0.00006; ExAC 0.00012; 1000 Genomes Project 0.00040; 1000 Genomes Project 30x 0.00047.
gnomAD v4.1: 84 of 1,591,356 alleles (0.0053%); highest among the groups gnomAD compares: African/African-American, 0.015%; no homozygotes.

Submissions (10):

St. Jude Molecular Pathology, St. Jude Children's Research Hospital
Classification: Uncertain significance for Familial adenomatous polyposis 3. Last evaluated: 2026-02-20. Review status: criteria provided, single submitter. Criteria: St. Jude Assertion Criteria 2020. Collection method: clinical testing. Allele origin: germline.
Comment: The NTHL1 c.31C>T change.Pathogenic variants in NTHL1 are associated with NTHL1-associated polyposis, an autosomal recessive disorder characterized by the development of colonic adenomas and cancer of the large intestine (colon) (OMIM ID: 616415). TheÃ‚ NTHL1 c.31C>T p.(Arg11Tr p) missense change has a maximum subpopulation frequency of 0.019% in gnomAD v2.1.1. The in silico tool REVEL predicts a benign effect of this variant on protein function, but to our knowledge functional studies have not been performed. To our knowledge, this variant has not been reported in individuals with NTHL1-associated polyposis. In summary, the evidence currently available is insufficient to determine the clinical significance of this variant. It has therefore been classified as of uncertain significance.

Labcorp Genetics (formerly Invitae), Labcorp
Classification: Uncertain significance. Last evaluated: 2026-02-03. Review status: criteria provided, single submitter. Criteria: Invitae Variant Classification Sherloc (09022015). Collection method: clinical testing. Allele origin: germline.
Comment: This sequence change replaces arginine, which is basic and polar, with tryptophan, which is neutral and slightly polar, at codon 19 of the NTHL1 protein (p.Arg19Trp). The frequency data for this variant in the population databases is considered unreliable, as metrics indicate poor data quality at this position in the gnomAD database. This missense change has been observed in individual(s) with breast cancer and in an unaffected control individual (PMID: 33980861). ClinVar contains an entry for this variant (Variation ID: 664916). An algorithm developed to predict the effect of missense changes on protein structure and function (PolyPhen-2) suggests that this variant is likely to be disruptive. In summary, the available evidence is currently insufficient to determine the role of this variant in disease. Therefore, it has been classified as a Variant of Uncertain Significance.

Ambry Genetics
Classification: Uncertain significance for Hereditary cancer-predisposing syndrome. Last evaluated: 2024-12-10. Review status: criteria provided, single submitter. Criteria: Ambry Variant Classification Scheme 2023. Collection method: clinical testing. Allele origin: germline.
Comment: The p.R19W variant (also known as c.55C>T), located in coding exon 1 of the NTHL1 gene, results from a C to T substitution at nucleotide position 55. The arginine at codon 19 is replaced by tryptophan, an amino acid with dissimilar properties. This amino acid position is well conserved in available vertebrate species. In addition, this alteration is predicted to be tolerated by in silico analysis. Based on the available evidence, the clinical significance of this variant remains unclear.

Blueprint Genetics
Classification: Uncertain significance. Last evaluated: 2024-09-12. Review status: criteria provided, single submitter. Criteria: ACMG Guidelines, 2015. Collection method: clinical testing. Allele origin: germline.

Quest Diagnostics Nichols Institute San Juan Capistrano
Classification: Uncertain significance. Last evaluated: 2023-12-06. Review status: criteria provided, single submitter. Criteria: Quest Diagnostics criteria. Collection method: clinical testing. Allele origin: unknown.
Comment: The NTHL1 c.55C>T (p.Arg19Trp) variant has been reported in the published literature in an individual affected with breast cancer (PMID: 33980861 (2021)). The frequency of this variant in the general population, 0.00019 (4/20842 chromosomes (Genome Aggregation Database)), is uninformative in the assessment of its pathogenicity. Analysis of this variant using bioinformatics tools for the prediction of the effect of amino acid changes on protein structure and function yielded conflicting predictions that this variant is benign or damaging. Based on the available information, we are unable to determine the clinical significance of this variant.

Baylor Genetics
Classification: Uncertain significance for Familial adenomatous polyposis 3. Last evaluated: 2023-10-15. Review status: criteria provided, single submitter. Criteria: ACMG Guidelines, 2015. Collection method: clinical testing. Allele origin: unknown.

GeneDx
Classification: Uncertain significance. Last evaluated: 2023-02-17. Review status: criteria provided, single submitter. Criteria: GeneDx Variant Classification Process June 2021. Collection method: clinical testing. Allele origin: germline. Affected: yes.
Comment: In silico analysis supports that this missense variant does not alter protein structure/function; Observed in both cases and controls in a breast cancer study (Li et al., 2021); This variant is associated with the following publications: (PMID: 33980861)

Fulgent Genetics
Classification: Uncertain significance for Familial adenomatous polyposis 3. Last evaluated: 2022-05-25. Review status: criteria provided, single submitter. Criteria: ACMG Guidelines, 2015. Collection method: clinical testing. Allele origin: unknown.

Sema4
Classification: Uncertain significance for Hereditary cancer-predisposing syndrome. Last evaluated: 2021-07-28. Review status: criteria provided, single submitter. Criteria: Sema4 Curation Guidelines. Collection method: curation. Allele origin: germline.
Comment: The NTHL1 c.55C>T (p.R19W) variant has not been reported in the literature to our knowledge. It was observed in 4/20842 chromosomes of the African subpopulation in the large and broad cohorts of the Genome Aggregation Database (PMID: 32461654) and has been reported in ClinVar (Variation ID 664916). Functional studies have not been performed, and in silico predictions of the variant's effect on protein function are inconclusive. The evidence is insufficient to meet ACMG/AMP criteria for classifying the variant as benign or pathogenic. Thus, the clinical significance of this variant is currently uncertain.

Breakthrough Genomics
Classification: Uncertain significance. Review status: criteria provided, single submitter. Criteria: ACMG Guidelines, 2015. Collection method: not provided. Allele origin: germline. Inheritance: Autosomal recessive inheritance. Affected: yes.

Literature cited by the submitters: PubMed 33980861 (cited by Labcorp Genetics (formerly Invitae), Labcorp and Quest Diagnostics Nichols Institute San Juan Capistrano).

NM_002528.7(NTHL1):c.31C>T (p.Arg11Trp)

Gene: NTHL1 (nth like DNA glycosylase 1; minus strand). Cytogenetic location: 16p13.3.
Variant type: single nucleotide variant.
Coding change: c.31C>T on transcript NM_002528.7 (MANE Select); coding-DNA position 31, C replaced by T.
Protein change: p.Arg11Trp; replaces arginine 11 with tryptophan.
Molecular consequence: missense variant. On other transcripts: 5 prime UTR variant (1).
Genome position (GRCh38, 1-based): chr16:2,047,793, G>A on the plus strand (C>T on the coding strand, the complement: NTHL1 is on the minus strand). VCF-style: chr16-2047793-G-A. GRCh37 (hg19) VCF-style: chr16-2097794-G-A.
Other names: c.31C>T, p.Arg11Trp (LRG_1366t1, NM_001318193.2); c.-148C>T (NM_001318194.2); short protein forms R11W.
Identifiers: ClinVar variation 664916 (VCV000664916.23), dbSNP rs549760347, ClinGen allele CA027783.